The following is an entry in ClinVar:

ClinVar aggregate classification (germline): Uncertain significance (1 of 4 stars; one submission).

Submission:

GeneDx
Classification: Uncertain significance. Last evaluated: 2026-01-15. Review status: criteria provided, single submitter. Criteria: GeneDx Variant Classification Process June 2021. Collection method: clinical testing. Allele origin: germline.
Comment: Not observed at significant frequency in large population cohorts (gnomAD); In silico analysis suggests that this missense variant does not alter protein structure/function; Has not been previously published as pathogenic or benign to our knowledge

NM_001081.4(CUBN):c.7108C>A (p.Leu2370Ile)

Gene: CUBN (cubilin; minus strand). Cytogenetic location: 10p13.
Variant type: single nucleotide variant.
Coding change: c.7108C>A on transcript NM_001081.4 (MANE Select); coding-DNA position 7108, C replaced by A.
Protein change: p.Leu2370Ile; replaces leucine 2370 with isoleucine.
Molecular consequence: missense variant.
Genome position (GRCh38, 1-based): chr10:16,915,923, G>T on the plus strand (C>A on the coding strand, the complement: CUBN is on the minus strand). VCF-style: chr10-16915923-G-T. GRCh37 (hg19) VCF-style: chr10-16957922-G-T.
Other names: short protein forms L2370I.
Identifiers: ClinVar variation 3603251 (VCV003603251.2).